The following is an entry in ClinVar:

NM_015015.3(KDM4B):c.2404C>G (p.Leu802Val)

Gene: KDM4B (lysine demethylase 4B; plus strand). Cytogenetic location: 19p13.3.
Variant type: single nucleotide variant.
Coding change: c.2404C>G on transcript NM_015015.3 (MANE Select); coding-DNA position 2404, C replaced by G.
Protein change: p.Leu802Val; replaces leucine 802 with valine.
Molecular consequence: missense variant.
Genome position (GRCh38, 1-based): chr19:5,137,639, C>G. VCF-style: chr19-5137639-C-G. GRCh37 (hg19) VCF-style: chr19-5137650-C-G.
Other names: c.2506C>G, p.Leu836Val (NM_001411148.1); short protein forms L802V, L836V.
Identifiers: ClinVar variation 4685019 (VCV004685019.1).

ClinVar aggregate classification (germline): Uncertain significance (1 of 4 stars; one submission).

Submission:

GeneDx
Classification: Uncertain significance. Last evaluated: 2025-07-08. Review status: criteria provided, single submitter. Criteria: GeneDx Variant Classification Process June 2021. Collection method: clinical testing. Allele origin: germline. Affected: yes.
Comment: Not observed at significant frequency in large population cohorts (gnomAD); In silico analysis supports that this missense variant has a deleterious effect on protein structure/function; Has not been previously published as pathogenic or benign to our knowledge